The following is an entry in ClinVar:

ClinVar aggregate classification (germline): Uncertain significance (1 of 4 stars; one submission).

gnomAD v4.1: 1 of 1,210,399 alleles (0.000083%); highest among the groups gnomAD compares: African/African-American, 0.0017%; no homozygotes.

Submission:

GeneDx
Classification: Uncertain significance. Last evaluated: 2025-04-15. Review status: criteria provided, single submitter. Criteria: GeneDx Variant Classification Process June 2021. Collection method: clinical testing. Allele origin: germline. Affected: yes.
Comment: Observed in large population cohorts (gnomAD; internal data); In silico analysis supports that this missense variant has a deleterious effect on protein structure/function; Has not been previously published as pathogenic or benign to our knowledge

NM_001110556.2(FLNA):c.5801T>C (p.Ile1934Thr)

Gene: FLNA (filamin A; minus strand). Cytogenetic location: Xq28.
Variant type: single nucleotide variant.
Coding change: c.5801T>C on transcript NM_001110556.2 (MANE Select); coding-DNA position 5801, T replaced by C.
Protein change: p.Ile1934Thr; replaces isoleucine 1934 with threonine.
Molecular consequence: missense variant.
Genome position (GRCh38, 1-based): chrX:154,353,613, A>G on the plus strand (T>C on the coding strand, the complement: FLNA is on the minus strand). VCF-style: chrX-154353613-A-G. GRCh37 (hg19) VCF-style: chrX-153581981-A-G.
Other names: c.5777T>C, p.Ile1926Thr (NM_001456.4); short protein forms I1926T, I1934T.
Identifiers: ClinVar variation 4282252 (VCV004282252.1).